The following is an entry in ClinVar:

ClinVar aggregate classification (germline): Uncertain significance. Review status: criteria provided, multiple submitters, no conflicts (2 of 4 stars). 2 submissions from 2 submitters: Uncertain significance (2). Last evaluated 2025-09-01.

Conditions:
Inborn genetic diseases. Identifiers: MedGen C0950123, MeSH D030342.
Alpha-N-acetylgalactosaminidase deficiency type 1. Also called: NAGA DEFICIENCY, TYPE I; NEUROAXONAL DYSTROPHY, SCHINDLER TYPE; SCHINDLER DISEASE, TYPE I; ALPHA-N-ACETYLGALACTOSAMINIDASE DEFICIENCY, TYPE I. Identifiers: Orphanet 3137, Orphanet 79279, Orphanet 79281, MedGen C1836544, MONDO:0012221, OMIM 609241.

Allele frequency attached by ClinVar (database versions not stated): gnomAD 0.00002; TOPMed 0.00002.

Submissions (2):

Ambry Genetics
Classification: Uncertain significance for Inborn genetic diseases. Last evaluated: 2025-09-01. Review status: criteria provided, single submitter. Criteria: Ambry Variant Classification Scheme 2023. Collection method: clinical testing. Allele origin: germline.

Labcorp Genetics (formerly Invitae), Labcorp
Classification: Uncertain significance for Alpha-N-acetylgalactosaminidase deficiency type 1. Last evaluated: 2022-07-06. Review status: criteria provided, single submitter. Criteria: Invitae Variant Classification Sherloc (09022015). Collection method: clinical testing. Allele origin: germline.
Comment: This sequence change replaces asparagine, which is neutral and polar, with serine, which is neutral and polar, at codon 391 of the NAGA protein (p.Asn391Ser). This variant is present in population databases (rs752717782, gnomAD 0.008%). This variant has not been reported in the literature in individuals affected with NAGA-related conditions. Algorithms developed to predict the effect of missense changes on protein structure and function (SIFT, PolyPhen-2, Align-GVGD) all suggest that this variant is likely to be tolerated. In summary, the available evidence is currently insufficient to determine the role of this variant in disease. Therefore, it has been classified as a Variant of Uncertain Significance.

NM_000262.3(NAGA):c.1172A>G (p.Asn391Ser)

Gene: NAGA (alpha-N-acetylgalactosaminidase; minus strand). Cytogenetic location: 22q13.2.
Variant type: single nucleotide variant.
Coding change: c.1172A>G on transcript NM_000262.3 (MANE Select); coding-DNA position 1172, A replaced by G.
Protein change: p.Asn391Ser; replaces asparagine 391 with serine.
Molecular consequence: missense variant.
Genome position (GRCh38, 1-based): chr22:42,060,343, T>C on the plus strand (A>G on the coding strand, the complement: NAGA is on the minus strand). VCF-style: chr22-42060343-T-C. GRCh37 (hg19) VCF-style: chr22-42456347-T-C.
Other names: c.1172A>G (NM_000262.2); c.1172A>G, p.Asn391Ser (NM_001362848.1, NM_001362850.1); short protein forms N391S.
Identifiers: ClinVar variation 2044617 (VCV002044617.2), dbSNP rs752717782, ClinGen allele CA10263570.
Genomic context (GRCh38, chr22:42,060,343, plus strand): 5'-TGCTGGGACATCTCCAGGTTCTTGATGGGATACAGGTACCACATCACTACCCCTGAAGGG[T>C]TGATGATCACTGTGAAGTTGGTTTCATCTCGGAGGCCACTGATGATGTCACCTGAGTAGA-3'
Protein context (NP_000253.1, residues 381-401): RDETNFTVII[Asn391Ser]PSGVVMWYLY